The following is an entry in ClinVar:

NM_000264.5(PTCH1):c.4232A>T (p.Asp1411Val)

Gene: PTCH1 (patched 1; minus strand). Cytogenetic location: 9q22.32.
Variant type: single nucleotide variant.
Coding change: c.4232A>T on transcript NM_000264.5 (MANE Select); coding-DNA position 4232, A replaced by T.
Protein change: p.Asp1411Val; replaces aspartic acid 1411 with valine.
Molecular consequence: missense variant. On other transcripts: non-coding transcript variant (1).
Genome position (GRCh38, 1-based): chr9:95,447,024, T>A on the plus strand (A>T on the coding strand, the complement: PTCH1 is on the minus strand). VCF-style: chr9-95447024-T-A. GRCh37 (hg19) VCF-style: chr9-98209306-T-A.
Other names: c.4034A>T, p.Asp1345Val (NM_001083602.3); c.4229A>T, p.Asp1410Val (NM_001083603.3); c.3779A>T, p.Asp1260Val (NM_001083604.3, NM_001083605.3, NM_001083606.3 and 1 more transcripts); c.4076A>T, p.Asp1359Val (NM_001354918.2); short protein forms D1359V, D1411V, D1260V, D1345V, D1410V.
Identifiers: ClinVar variation 2895083 (VCV002895083.5), dbSNP rs774913538, ClinGen allele CA374110064.

ClinVar aggregate classification (germline): Uncertain significance. Review status: criteria provided, multiple submitters, no conflicts (2 of 4 stars). 2 submissions from 2 submitters: Uncertain significance (2). Last evaluated 2026-07-29.

Conditions:
Hereditary cancer-predisposing syndrome. Also called: Hereditary Cancer Syndrome; Hereditary neoplastic syndrome; Neoplastic Syndromes, Hereditary; Tumor predisposition. Identifiers: Orphanet 140162, MedGen C0027672, MeSH D009386, MONDO:0015356.
Gorlin syndrome. Also called: Nevoid Basal Cell Carcinoma Syndrome; Basal cell nevus syndrome. Identifiers: Orphanet 377, MedGen C0004779, MONDO:0007187.

Submissions (2):

Ambry Genetics
Classification: Uncertain significance for Hereditary cancer-predisposing syndrome. Last evaluated: 2026-07-29. Review status: criteria provided, single submitter. Criteria: Ambry Variant Classification Scheme 2023. Collection method: clinical testing. Allele origin: germline.
Comment: The p.D1411V variant (also known as c.4232A>T), located in coding exon 23 of the PTCH1 gene, results from an A to T substitution at nucleotide position 4232. The aspartic acid at codon 1411 is replaced by valine, an amino acid with highly dissimilar properties. This amino acid position is conserved. In addition, this alteration is predicted to be deleterious by in silico analysis. Based on the available evidence, the clinical significance of this variant remains unclear.

Labcorp Genetics (formerly Invitae), Labcorp
Classification: Uncertain significance for Gorlin syndrome. Last evaluated: 2025-09-02. Review status: criteria provided, single submitter. Criteria: Invitae Variant Classification Sherloc (09022015). Collection method: clinical testing. Allele origin: germline.
Comment: This sequence change replaces aspartic acid, which is acidic and polar, with valine, which is neutral and non-polar, at codon 1411 of the PTCH1 protein (p.Asp1411Val). This variant is not present in population databases (gnomAD no frequency). This variant has not been reported in the literature in individuals affected with PTCH1-related conditions. ClinVar contains an entry for this variant (Variation ID: 2895083). Invitae Evidence Modeling of protein sequence and biophysical properties (such as structural, functional, and spatial information, amino acid conservation, physicochemical variation, residue mobility, and thermodynamic stability) indicates that this missense variant is not expected to disrupt PTCH1 protein function with a negative predictive value of 95%. In summary, the available evidence is currently insufficient to determine the role of this variant in disease. Therefore, it has been classified as a Variant of Uncertain Significance.